The following is an entry in ClinVar:

ClinVar aggregate classification (germline): Likely benign (1 of 4 stars; one submission).

Conditions:
IFNLR1-related disorder. Also called: IFNLR1-related condition.

gnomAD v4.1: 75 of 1,614,186 alleles (0.0046%); highest among the groups gnomAD compares: East Asian, 0.1%; no homozygotes.

Submission:

PreventionGenetics, part of Exact Sciences
Classification: Likely benign for IFNLR1-related condition. Last evaluated: 2026-07-22. Review status: criteria provided, single submitter. Criteria: ACMG Guidelines, 2015. Collection method: clinical testing. Allele origin: germline.
Comment: This variant is classified as likely benign based on ACMG/AMP sequence variant interpretation guidelines (Richards et al. 2015 PMID: 25741868, with internal and published modifications).

NM_170743.4(IFNLR1):c.1458G>A (p.Ala486=)

Gene: IFNLR1 (interferon lambda receptor 1; minus strand). Cytogenetic location: 1p36.11.
Variant type: single nucleotide variant.
Coding change: c.1458G>A on transcript NM_170743.4 (MANE Select); coding-DNA position 1458, G replaced by A.
Protein change: p.Ala486=; no amino-acid change (alanine 486 retained).
Molecular consequence: synonymous variant. On other transcripts: 3 prime UTR variant (1).
Genome position (GRCh38, 1-based): chr1:24,157,235, C>T on the plus strand (G>A on the coding strand, the complement: IFNLR1 is on the minus strand). VCF-style: chr1-24157235-C-T. GRCh37 (hg19) VCF-style: chr1-24483725-C-T.
Other names: c.1371G>A, p.Ala457= (NM_173064.3); c.*592G>A (NM_173065.3).
Identifiers: ClinVar variation 4981102 (VCV004981102.1).